The following is an entry in ClinVar:

ClinVar aggregate classification (germline): Conflicting classifications of pathogenicity. Review status: criteria provided, conflicting classifications (1 of 4 stars). 3 submissions from 3 submitters: Pathogenic (1); Likely pathogenic (1); Uncertain significance (1). Last evaluated 2025-01-16.

Conditions:
Retinitis pigmentosa (RP). Identifiers: Orphanet 791, MedGen C0035334, MeSH D012174, MONDO:0019200, OMIM 268000. Inheritance: Autosomal dominant, autosomal recessive and X linked inheritance.
CNGA1-related disorder. Also called: CNGA1-related condition.

Allele frequency attached by ClinVar (database versions not stated): gnomAD 0.00001 and 0.00002; ExAC 0.00002; gnomAD exomes 0.00002 and 0.00003; TOPMed 0.00002.
gnomAD v4.1: 41 of 1,613,946 alleles (0.0025%); highest among the groups gnomAD compares: Middle Eastern, 0.066%; no homozygotes.

Submissions (3):

Labcorp Genetics (formerly Invitae), Labcorp
Classification: Uncertain significance. Last evaluated: 2025-01-16. Review status: criteria provided, single submitter. Criteria: Invitae Variant Classification Sherloc (09022015). Collection method: clinical testing. Allele origin: germline.
Comment: This sequence change replaces glycine, which is neutral and non-polar, with alanine, which is neutral and non-polar, at codon 385 of the CNGA1 protein (p.Gly385Ala). This variant is present in population databases (rs749990018, gnomAD 0.005%). This variant has not been reported in the literature in individuals affected with CNGA1-related conditions. ClinVar contains an entry for this variant (Variation ID: 813036). Invitae Evidence Modeling of protein sequence and biophysical properties (such as structural, functional, and spatial information, amino acid conservation, physicochemical variation, residue mobility, and thermodynamic stability) indicates that this missense variant is not expected to disrupt CNGA1 protein function with a negative predictive value of 80%. In summary, the available evidence is currently insufficient to determine the role of this variant in disease. Therefore, it has been classified as a Variant of Uncertain Significance.

Blueprint Genetics
Classification: Likely pathogenic for CNGA1-related disorders. Last evaluated: 2024-10-10. Review status: criteria provided, single submitter. Criteria: ACMG Guidelines, 2015. Collection method: clinical testing. Allele origin: germline. Affected: yes. Observed: 5 variant alleles.

Molecular Genetics Laboratory, Institute for Ophthalmic Research
Classification: Pathogenic for Retinitis pigmentosa. Last evaluated: 2020-01-09. Review status: criteria provided, single submitter. Criteria: ACMG Guidelines, 2015. Collection method: research. Allele origin: germline. Affected: yes.

NM_001379270.1(CNGA1):c.1142G>C (p.Gly381Ala)

Genes: CNGA1 (cyclic nucleotide gated channel subunit alpha 1; minus strand), LOC101927157 (uncharacterized LOC101927157; plus strand). Cytogenetic location: 4p12.
Variant type: single nucleotide variant.
Coding change: c.1142G>C on transcript NM_001379270.1 (MANE Select); coding-DNA position 1142, G replaced by C.
Protein change: p.Gly381Ala; replaces glycine 381 with alanine.
Molecular consequence: missense variant.
Genome position (GRCh38, 1-based): chr4:47,937,340, C>G on the plus strand (G>C on the coding strand, the complement: CNGA1 is on the minus strand). VCF-style: chr4-47937340-C-G. GRCh37 (hg19) VCF-style: chr4-47939357-C-G.
Other names: c.1142G>C, p.Gly381Ala (NM_000087.5, NM_001142564.2); short protein forms G381A.
Identifiers: ClinVar variation 813036 (VCV000813036.6), dbSNP rs749990018, ClinGen allele CA2911124.